The following is an entry in ClinVar:

ClinVar aggregate classification (germline): Uncertain significance. Review status: criteria provided, multiple submitters, no conflicts (2 of 4 stars). 2 submissions from 2 submitters: Uncertain significance (2). Last evaluated 2025-09-10.

Conditions:
Early-infantile DEE. Also called: Early infantile epileptic encephalopathy; Ohtahara syndrome; Early infantile epileptic encephalopathy with suppression bursts. Identifiers: Orphanet 1934, MedGen C0393706, MONDO:0800491.

gnomAD v4.1: 12 of 1,613,112 alleles (0.00074%); highest among the groups gnomAD compares: Non-Finnish European, 0.00085%; no homozygotes.

Submissions (2):

Labcorp Genetics (formerly Invitae), Labcorp
Classification: Uncertain significance for Early-infantile DEE. Last evaluated: 2025-09-10. Review status: criteria provided, single submitter. Criteria: Invitae Variant Classification Sherloc (09022015). Collection method: clinical testing. Allele origin: germline.
Comment: This sequence change replaces serine, which is neutral and polar, with arginine, which is basic and polar, at codon 1566 of the SCN1A protein (p.Ser1566Arg). This variant is present in population databases (rs772966388, gnomAD 0.002%). This variant has not been reported in the literature in individuals affected with SCN1A-related conditions. ClinVar contains an entry for this variant (Variation ID: 3905539). Invitae Evidence Modeling of protein sequence and biophysical properties (such as structural, functional, and spatial information, amino acid conservation, physicochemical variation, residue mobility, and thermodynamic stability) has been performed for this missense variant. However, the output from this modeling did not meet the statistical confidence thresholds required to predict the impact of this variant on SCN1A protein function. In summary, the available evidence is currently insufficient to determine the role of this variant in disease. Therefore, it has been classified as a Variant of Uncertain Significance.

CeGaT Center for Human Genetics Tuebingen
Classification: Uncertain significance. Last evaluated: 2025-05-01. Review status: criteria provided, single submitter. Criteria: CeGaT Center For Human Genetics Tuebingen Variant Classification Criteria Version 2. Collection method: clinical testing. Allele origin: germline. Affected: yes. Observed: 1 variant allele.

NM_001165963.4(SCN1A):c.4698T>G (p.Ser1566Arg)

Genes: SCN1A (sodium voltage-gated channel alpha subunit 1; minus strand), LOC102724058 (uncharacterized LOC102724058; plus strand). Cytogenetic location: 2q24.3.
Variant type: single nucleotide variant.
Coding change: c.4698T>G on transcript NM_001165963.4 (MANE Select); coding-DNA position 4698, T replaced by G.
Protein change: p.Ser1566Arg; replaces serine 1566 with arginine.
Molecular consequence: missense variant. On other transcripts: non-coding transcript variant (1).
Genome position (GRCh38, 1-based): chr2:165,994,300, A>C on the plus strand (T>G on the coding strand, the complement: SCN1A is on the minus strand). VCF-style: chr2-165994300-A-C. GRCh37 (hg19) VCF-style: chr2-166850810-A-C.
Other names: c.4614T>G, p.Ser1538Arg (NM_001165964.3, NM_001353957.2, NM_001353958.2); c.4698T>G, p.Ser1566Arg (NM_001202435.3, NM_001353948.2); c.4665T>G, p.Ser1555Arg (NM_001353949.2, NM_001353950.2, NM_001353951.2 and 2 more transcripts); c.4662T>G, p.Ser1554Arg (NM_001353954.2, NM_001353955.2); c.4611T>G, p.Ser1537Arg (NM_001353960.2); c.2256T>G, p.Ser752Arg (NM_001353961.2); short protein forms S1537R, S1538R, S1554R, S1555R, S1566R, S752R.
Identifiers: ClinVar variation 3905539 (VCV003905539.11).
Genomic context (GRCh38, chr2:165,994,300, plus strand): 5'-TCCAGTAAATAGCACAATGAACACCAGATTGATGCGTGACAAAATGGTAGTCACATATTC[A>C]CTCTGGTCATCTGTTTCCACCATCATTGTGACCATGTTAAGACAGATGAGAATCATGATG-3'
Protein context (NP_001159435.1, residues 1556-1576): VTMMVETDDQ[Ser1566Arg]EYVTTILSRI